The following is an entry in ClinVar:

NM_000170.3(GLDC):c.2824del (p.Val942fs)

Gene: GLDC (glycine decarboxylase; minus strand). Cytogenetic location: 9p24.1.
Variant type: Deletion.
Coding change: c.2824del on transcript NM_000170.3 (MANE Select); coding-DNA position 2824, one base deleted (G; older notation c.2824delG).
Protein change: p.Val942fs; shifts the reading frame from valine 942.
Molecular consequence: frameshift variant.
Genome position (GRCh38, 1-based): chr9:6,536,078, C deleted on the plus strand (G on the coding strand, the reverse complement: GLDC is on the minus strand); the first of 3 consecutive C bases (chr9:6,536,078-6,536,080); deleting any one gives the same sequence. VCF-style (leftmost placement, unchanged base first): chr9-6536077-AC-A. GRCh37 (hg19) VCF-style: chr9-6536077-AC-A.
Other names: short protein forms V942fs.
Identifiers: ClinVar variation 1452164 (VCV001452164.6), dbSNP rs2129649366, ClinGen allele CA2573144486.

ClinVar aggregate classification (germline): Pathogenic (1 of 4 stars; one submission).

Conditions:
Glycine encephalopathy. Also called: Non-ketotic hyperglycinemia; Nonketotic hyperglycinemia. Identifiers: Orphanet 407, MedGen C0751748, MONDO:0011612, HP:0008288.

Submission:

Labcorp Genetics (formerly Invitae), Labcorp
Classification: Pathogenic for Glycine encephalopathy. Last evaluated: 2022-03-23. Review status: criteria provided, single submitter. Criteria: Invitae Variant Classification Sherloc (09022015). Collection method: clinical testing. Allele origin: germline.
Comment: For these reasons, this variant has been classified as Pathogenic. Algorithms developed to predict the effect of sequence changes on RNA splicing suggest that this variant may create or strengthen a splice site. This variant has not been reported in the literature in individuals affected with GLDC-related conditions. This variant is not present in population databases (gnomAD no frequency). This sequence change creates a premature translational stop signal (p.Val942Serfs*4) in the GLDC gene. It is expected to result in an absent or disrupted protein product. Loss-of-function variants in GLDC are known to be pathogenic (PMID: 16601880).

Literature cited by the submitters: PubMed 16601880.